The following is an entry in ClinVar:

ClinVar aggregate classification (germline): Uncertain significance (1 of 4 stars; one submission).

Conditions:
Peroxisome biogenesis disorder. Identifiers: Orphanet 79189, MedGen C1832200, MONDO:0019234. Disease mechanism: loss of function.

Allele frequency attached by ClinVar (database versions not stated): gnomAD exomes below 0.00001.

Submission:

Labcorp Genetics (formerly Invitae), Labcorp
Classification: Uncertain significance for Peroxisome biogenesis disorder. Last evaluated: 2021-12-15. Review status: criteria provided, single submitter. Criteria: Invitae Variant Classification Sherloc (09022015). Collection method: clinical testing. Allele origin: germline.
Comment: Algorithms developed to predict the effect of missense changes on protein structure and function (SIFT, PolyPhen-2, Align-GVGD) all suggest that this variant is likely to be tolerated. In summary, the available evidence is currently insufficient to determine the role of this variant in disease. Therefore, it has been classified as a Variant of Uncertain Significance. This variant has not been reported in the literature in individuals affected with PEX16-related conditions. This variant is not present in population databases (gnomAD no frequency). This sequence change replaces valine, which is neutral and non-polar, with isoleucine, which is neutral and non-polar, at codon 112 of the PEX16 protein (p.Val112Ile).

NM_004813.4(PEX16):c.334G>A (p.Val112Ile)

Gene: PEX16 (peroxisomal biogenesis factor 16; minus strand). Cytogenetic location: 11p11.2.
Variant type: single nucleotide variant.
Coding change: c.334G>A on transcript NM_004813.4 (MANE Select); coding-DNA position 334, G replaced by A.
Protein change: p.Val112Ile; replaces valine 112 with isoleucine.
Molecular consequence: missense variant.
Genome position (GRCh38, 1-based): chr11:45,915,728, C>T on the plus strand (G>A on the coding strand, the complement: PEX16 is on the minus strand). VCF-style: chr11-45915728-C-T. GRCh37 (hg19) VCF-style: chr11-45937279-C-T.
Other names: c.334G>A, p.Val112Ile (NM_057174.3); short protein forms V112I.
Identifiers: ClinVar variation 2043920 (VCV002043920.4), dbSNP rs2494904835, ClinGen allele CA380228465.